The following is an entry in ClinVar:

ClinVar aggregate classification (germline): Uncertain significance (1 of 4 stars; one submission).

gnomAD v4.1: 6 of 1,613,778 alleles (0.00037%); highest among the groups gnomAD compares: East Asian, 0.013%; no homozygotes.

Submission:

Women's Health and Genetics/Laboratory Corporation of America, LabCorp
Classification: Uncertain significance. Last evaluated: 2025-12-01. Review status: criteria provided, single submitter. Criteria: LabCorp Variant Classification Summary - May 2015. Collection method: clinical testing. Allele origin: germline.
Comment: Variant summary: HERC2 c.2399A>T (p.Glu800Val) results in a non-conservative amino acid change in the encoded protein sequence. Algorithms developed to predict the effect of missense changes on protein structure and function are either unavailable or do not agree on the potential impact of this missense change. The variant allele was found at a frequency of 2.4e-05 in 250864 control chromosomes. The available data on variant occurrences in the general population are insufficient to allow any conclusion about variant significance. To our knowledge, no occurrence of c.2399A>T in individuals affected with HERC2-related conditions and no experimental evidence demonstrating its impact on protein function have been reported. No submitters have cited clinical-significance assessments for this variant to ClinVar. Based on the evidence outlined above, the variant was classified as uncertain significance.

NM_004667.6(HERC2):c.2399A>T (p.Glu800Val)

Gene: HERC2 (HECT and RLD domain containing E3 ubiquitin protein ligase 2; minus strand). Cytogenetic location: 15q13.1.
Variant type: single nucleotide variant.
Coding change: c.2399A>T on transcript NM_004667.6 (MANE Select); coding-DNA position 2399, A replaced by T.
Protein change: p.Glu800Val; replaces glutamic acid 800 with valine.
Molecular consequence: missense variant.
Genome position (GRCh38, 1-based): chr15:28,257,179, T>A on the plus strand (A>T on the coding strand, the complement: HERC2 is on the minus strand). VCF-style: chr15-28257179-T-A. GRCh37 (hg19) VCF-style: chr15-28502325-T-A.
Other names: short protein forms E800V.
Identifiers: ClinVar variation 4688705 (VCV004688705.1).
Genomic context (GRCh38, chr15:28,257,179, plus strand): 5'-GGCCAGTCCGCGGAACCATCCATCCCCTCACTCACCTGCCGAAGCAGGAGATCCAGCTGC[T>A]CAAAAGTCATTGAGCAGATGTCCACCACAAAAGGGACACGGAGGCCAATGGACCACTCAG-3'
Protein context (NP_004658.3, residues 790-810): FVVDICSMTF[Glu800Val]QLDLLLRQVS